The following is an entry in ClinVar:

NM_000179.3(MSH6):c.260+7G>T

Genes: MSH6 (mutS homolog 6; plus strand), LOC129933707 (ATAC-STARR-seq lymphoblastoid silent region 11468; plus strand). Cytogenetic location: 2p16.3.
Variant type: single nucleotide variant.
Coding change: c.260+7G>T on transcript NM_000179.3 (MANE Select); 7 bases into the intron after coding-DNA position 260, G replaced by T.
Molecular consequence: intron variant.
Genome position (GRCh38, 1-based): chr2:47,783,500, G>T. VCF-style: chr2-47783500-G-T. GRCh37 (hg19) VCF-style: chr2-48010639-G-T.
Other names: c.-477+7G>T (NM_001281493.2); c.237+30G>T (NM_001281492.2).
Identifiers: ClinVar variation 1153115 (VCV001153115.11), dbSNP rs774479750, ClinGen allele CA645515397.
Genomic context (GRCh38, chr2:47,783,500, plus strand): 5'-GAAGAACCTCAACGGAGGGCTGCGGAGATCGGTAGCGCCTGCTGCCCCCACCAGGTAGCG[G>T]GGTGGGGGTGGGGTCGAAGGCGGGGGCATAGCGGCGGGGCGCTTGGAACCCGGCGAGGGG-3'

ClinVar aggregate classification (germline): Likely benign. Review status: criteria provided, multiple submitters, no conflicts (2 of 4 stars). 3 submissions from 3 submitters: Likely benign (3). Last evaluated 2024-12-17.

Conditions:
Lynch syndrome 5 (LYNCH5). Also called: Hereditary non-polyposis colorectal cancer, type 5; Colorectal cancer, hereditary nonpolyposis, type 5. Identifiers: Orphanet 144, MedGen C1833477, MONDO:0013710, OMIM 614350. Disease mechanism: loss of function.
Hereditary nonpolyposis colorectal neoplasms. Identifiers: MedGen C0009405, MeSH D003123.

gnomAD v4.1: 1 of 1,426,006 alleles (0.00007%); highest among the groups gnomAD compares: East Asian, 0.0028%; no homozygotes.

Submissions (3):

Myriad Genetics, Inc.
Classification: Likely benign for Lynch syndrome 5. Last evaluated: 2024-12-17. Review status: criteria provided, single submitter. Criteria: Myriad Autosomal Dominant, Autosomal Recessive and X-Linked Classification Criteria (2023). Collection method: clinical testing. Allele origin: unknown.
Comment: This variant is considered likely benign. This variant is intronic and is not expected to impact mRNA splicing.

Blueprint Genetics
Classification: Likely benign. Last evaluated: 2023-07-17. Review status: criteria provided, single submitter. Criteria: ACMG Guidelines, 2015. Collection method: clinical testing. Allele origin: germline.

Labcorp Genetics (formerly Invitae), Labcorp
Classification: Likely benign for Hereditary nonpolyposis colorectal neoplasms. Last evaluated: 2021-11-24. Review status: criteria provided, single submitter. Criteria: Invitae Variant Classification Sherloc (09022015). Collection method: clinical testing. Allele origin: germline.